The following is an entry in ClinVar:

NC_000023.11:g.(?_31444471)_(31658154_?)del

Gene: DMD (dystrophin; minus strand). Cytogenetic location: Xp21.2-21.1.
Variant type: Deletion.
Identifiers: ClinVar variation 833401 (VCV000833401.1).

ClinVar aggregate classification (germline): Pathogenic (1 of 4 stars; one submission).

Conditions:
Duchenne muscular dystrophy (DMD). Also called: Duchenne Muscular Dystrophy (DMD); MUSCULAR DYSTROPHY, PSEUDOHYPERTROPHIC PROGRESSIVE, DUCHENNE TYPE. Identifiers: Orphanet 98896, MedGen C0013264, MONDO:0010679, OMIM 310200.

Submission:

Labcorp Genetics (formerly Invitae), Labcorp
Classification: Pathogenic for Duchenne muscular dystrophy. Last evaluated: 2019-11-01. Review status: criteria provided, single submitter. Criteria: Invitae Variant Classification Sherloc (09022015). Collection method: clinical testing. Allele origin: germline.
Comment: This variant is an in-frame deletion of the genomic region encompassing exons 54-60 of the DMD gene. It preserves the integrity of the reading frame. This variant has been observed in individual(s) with Duchenne muscular dystrophy (PMID: 16049303). The region of the DMD gene that includes exon(s) 54-55 has been determined to be clinically significant (PMID: 9628192, 19937601, 19367636, 28503591). Therefore, deletions that encompass that region are likely to disrupt protein function and cause disease. For these reasons, this variant has been classified as Pathogenic.

Literature cited by the submitters: PubMed 16049303; PubMed 19367636; PubMed 28503591; PubMed 9628192; PubMed 19937601.